The following is an entry in ClinVar:

ClinVar aggregate classification (germline): Conflicting classifications of pathogenicity. Review status: criteria provided, conflicting classifications (1 of 4 stars). 2 submissions from 2 submitters: Likely pathogenic (1); Uncertain significance (1). Last evaluated 2024-02-29.

Conditions:
Hyperkalemic periodic paralysis. Also called: Familial hyperkalemic periodic paralysis; Gamstorp disease. Identifiers: Orphanet 682, MedGen C0238357, MONDO:0008224, OMIM 170500, HP:0007215.

Submissions (2):

Labcorp Genetics (formerly Invitae), Labcorp
Classification: Uncertain significance for Hyperkalemic periodic paralysis. Last evaluated: 2024-02-29. Review status: criteria provided, single submitter. Criteria: Invitae Variant Classification Sherloc (09022015). Collection method: clinical testing. Allele origin: germline.
Comment: This sequence change replaces alanine, which is neutral and non-polar, with serine, which is neutral and polar, at codon 1595 of the SCN4A protein (p.Ala1595Ser). This variant is not present in population databases (gnomAD no frequency). This missense change has been observed in individual(s) with clinical features of paramyotonia congenita (PMID: 33573884). ClinVar contains an entry for this variant (Variation ID: 623935). Advanced modeling of protein sequence and biophysical properties (such as structural, functional, and spatial information, amino acid conservation, physicochemical variation, residue mobility, and thermodynamic stability) performed at Invitae indicates that this missense variant is expected to disrupt SCN4A protein function with a positive predictive value of 95%. In summary, the available evidence is currently insufficient to determine the role of this variant in disease. Therefore, it has been classified as a Variant of Uncertain Significance.

CeGaT Center for Human Genetics Tuebingen
Classification: Likely pathogenic. Last evaluated: 2018-10-01. Review status: criteria provided, single submitter. Criteria: CeGaT Center For Human Genetics Tuebingen Variant Classification Criteria Version 2. Collection method: clinical testing. Allele origin: germline. Affected: yes. Observed: 3 variant alleles.

Literature cited by the submitters: PubMed 33573884 (cited by Labcorp Genetics (formerly Invitae), Labcorp).

NM_000334.4(SCN4A):c.4783G>T (p.Ala1595Ser)

Genes: GH-LCR (growth hormone locus control region; plus strand), SCN4A (sodium voltage-gated channel alpha subunit 4; minus strand). Cytogenetic location: 17q23.3.
Variant type: single nucleotide variant.
Coding change: c.4783G>T on transcript NM_000334.4 (MANE Select); coding-DNA position 4783, G replaced by T.
Protein change: p.Ala1595Ser; replaces alanine 1595 with serine.
Molecular consequence: missense variant.
Genome position (GRCh38, 1-based): chr17:63,941,499, C>A on the plus strand (G>T on the coding strand, the complement: SCN4A is on the minus strand). VCF-style: chr17-63941499-C-A. GRCh37 (hg19) VCF-style: chr17-62018859-C-A.
Other names: short protein forms A1595S.
Identifiers: ClinVar variation 623935 (VCV000623935.45), dbSNP rs761947899, ClinGen allele CA400614985.
Genomic context (GRCh38, chr17:63,941,499, plus strand): 5'-CTTCACCAAGGGGCTCGCTGCTCTCCTCTGTGGCCACATTGAAGTTCTCCAGGATGATGG[C>A]GATGTACATGTTGACCACGATGAGGAAGGAGATGATGATATAGCTGCAGAAGAAGCAGAT-3'
Protein context (NP_000325.4, residues 1585-1605): SFLIVVNMYI[Ala1595Ser]IILENFNVAT